The following is an entry in ClinVar:

NM_139315.3(TAF6):c.792G>A (p.Ser264=)

Gene: TAF6 (TATA-box binding protein associated factor 6; minus strand). Cytogenetic location: 7q22.1.
Variant type: single nucleotide variant.
Coding change: c.792G>A on transcript NM_139315.3 (MANE Select); coding-DNA position 792, G replaced by A.
Protein change: p.Ser264=; no amino-acid change (serine 264 retained).
Molecular consequence: synonymous variant. On other transcripts: non-coding transcript variant (1).
Genome position (GRCh38, 1-based): chr7:100,111,928, C>T on the plus strand (G>A on the coding strand, the complement: TAF6 is on the minus strand). VCF-style: chr7-100111928-C-T. GRCh37 (hg19) VCF-style: chr7-99709551-C-T.
Other names: c.903G>A, p.Ser301= (NM_001190415.2); c.792G>A, p.Ser264= (NM_001364998.1, NM_001364999.1, NM_005641.4); c.762G>A, p.Ser254= (NM_001365000.1, NM_001365001.1, NM_001365002.1 and 1 more transcripts); c.930G>A, p.Ser310= (NM_001365004.1).
Identifiers: ClinVar variation 761233 (VCV000761233.28), dbSNP rs577267950, ClinGen allele CA4375521.

ClinVar aggregate classification (germline): Likely benign. Review status: criteria provided, multiple submitters, no conflicts (2 of 4 stars). 2 submissions from 2 submitters: Likely benign (2). Last evaluated 2025-06-12.

Allele frequency attached by ClinVar (database versions not stated): gnomAD below 0.00001 and 0.00006; TOPMed 0.00002; gnomAD exomes 0.00009 and 0.00018; ExAC 0.00020; 1000 Genomes Project 30x 0.00078; 1000 Genomes Project 0.00080.
gnomAD v4.1: 141 of 1,614,102 alleles (0.0087%); highest among the groups gnomAD compares: South Asian, 0.14%; no homozygotes.

Submissions (2):

Labcorp Genetics (formerly Invitae), Labcorp
Classification: Likely benign. Last evaluated: 2025-06-12. Review status: criteria provided, single submitter. Criteria: Invitae Variant Classification Sherloc (09022015). Collection method: clinical testing. Allele origin: germline.

CeGaT Center for Human Genetics Tuebingen
Classification: Likely benign. Last evaluated: 2022-07-01. Review status: criteria provided, single submitter. Criteria: CeGaT Center For Human Genetics Tuebingen Variant Classification Criteria Version 2. Collection method: clinical testing. Allele origin: germline. Affected: yes. Observed: 1 variant allele.
Comment: TAF6: BP4, BP7